The following is an entry in ClinVar:

ClinVar aggregate classification (germline): Likely benign (0 of 4 stars; one submission).

Conditions:
HSF4-related disorder. Also called: HSF4-related condition.

Allele frequency attached by ClinVar (database versions not stated): gnomAD 0.00002; TOPMed 0.00004.
gnomAD v4.1: 54 of 1,613,726 alleles (0.0033%); highest among the groups gnomAD compares: South Asian, 0.0044%; no homozygotes.

Submission:

PreventionGenetics, part of Exact Sciences
Classification: Likely benign for HSF4-related condition. Last evaluated: 2024-02-05. Review status: no assertion criteria provided. Collection method: clinical testing. Allele origin: germline.
Comment: This variant is classified as likely benign based on ACMG/AMP sequence variant interpretation guidelines (Richards et al. 2015 PMID: 25741868, with internal and published modifications).

NM_001374675.1(HSF4):c.1104C>T (p.Ser368=)

Gene: HSF4 (heat shock transcription factor 4; plus strand). Cytogenetic location: 16q22.1.
Variant type: single nucleotide variant.
Coding change: c.1104C>T on transcript NM_001374675.1 (MANE Select); coding-DNA position 1104, C replaced by T.
Protein change: p.Ser368=; no amino-acid change (serine 368 retained).
Molecular consequence: synonymous variant.
Genome position (GRCh38, 1-based): chr16:67,168,852, C>T. VCF-style: chr16-67168852-C-T. GRCh37 (hg19) VCF-style: chr16-67202755-C-T.
Other names: c.1104C>T, p.Ser368= (NM_001040667.3); c.1014C>T, p.Ser338= (NM_001374674.1, NM_001538.4).
Identifiers: ClinVar variation 3036843 (VCV003036843.2), dbSNP rs562617923, ClinGen allele CA8102086.